The following is an entry in ClinVar:

ClinVar aggregate classification (germline): Uncertain significance (1 of 4 stars; one submission).

Allele frequency attached by ClinVar (database versions not stated): gnomAD exomes 0.00001.
gnomAD v4.1: 19 of 1,614,086 alleles (0.0012%); highest among the groups gnomAD compares: Non-Finnish European, 0.0016%; no homozygotes.

Submission:

Labcorp Genetics (formerly Invitae), Labcorp
Classification: Uncertain significance. Last evaluated: 2022-11-13. Review status: criteria provided, single submitter. Criteria: Invitae Variant Classification Sherloc (09022015). Collection method: clinical testing. Allele origin: germline.
Comment: This sequence change replaces alanine, which is neutral and non-polar, with threonine, which is neutral and polar, at codon 150 of the ESR2 protein (p.Ala150Thr). This variant is present in population databases (rs761435805, gnomAD 0.002%). This variant has not been reported in the literature in individuals affected with ESR2-related conditions. Advanced modeling of protein sequence and biophysical properties (such as structural, functional, and spatial information, amino acid conservation, physicochemical variation, residue mobility, and thermodynamic stability) performed at Invitae indicates that this missense variant is expected to disrupt ESR2 protein function. In summary, the available evidence is currently insufficient to determine the role of this variant in disease. Therefore, it has been classified as a Variant of Uncertain Significance.

NM_001437.3(ESR2):c.448G>A (p.Ala150Thr)

Gene: ESR2 (estrogen receptor 2; minus strand). Cytogenetic location: 14q23.2.
Variant type: single nucleotide variant.
Coding change: c.448G>A on transcript NM_001437.3 (MANE Select); coding-DNA position 448, G replaced by A.
Protein change: p.Ala150Thr; replaces alanine 150 with threonine.
Molecular consequence: missense variant. On other transcripts: non-coding transcript variant (1).
Genome position (GRCh38, 1-based): chr14:64,280,068, C>T on the plus strand (G>A on the coding strand, the complement: ESR2 is on the minus strand). VCF-style: chr14-64280068-C-T. GRCh37 (hg19) VCF-style: chr14-64746786-C-T.
Other names: c.448G>A, p.Ala150Thr (NM_001040275.1, NM_001214902.1, NM_001271876.1 and 3 more transcripts); short protein forms A150T.
Identifiers: ClinVar variation 3000345 (VCV003000345.3), dbSNP rs761435805, ClinGen allele CA7225589.
Genomic context (GRCh38, chr14:64,280,068, plus strand): 5'-TACATCCTTCACACGACCAGACTCCATAGTGATATCCCGATGCGTAATCGCTGCAGACAG[C>T]GCAGAAGTGAGCATCCCTCTTTGAACCTGGACCAGTAACAGGGCTGGCGCAACGGTTCCC-3'
Protein context (NP_001428.1, residues 140-160): PGSKRDAHFC[Ala150Thr]VCSDYASGYH